The following is an entry in ClinVar:

ClinVar aggregate classification (germline): Pathogenic/Likely pathogenic. Review status: criteria provided, multiple submitters, no conflicts (2 of 4 stars). 2 submissions from 2 submitters: Pathogenic (1); Likely pathogenic (1). Last evaluated 2020-06-18.

Conditions:
Osteogenesis imperfecta type I (OI1). Also called: OI, TYPE I; OSTEOGENESIS IMPERFECTA TARDA; OSTEOGENESIS IMPERFECTA WITH BLUE SCLERAE; Osteogenesis imperfecta type 1; Lobstein's Disease; Lobstein disease. Identifiers: Orphanet 216796, Orphanet 666, MedGen C0023931, MONDO:0008146, OMIM 166200. Disease mechanism: loss of function.
COL1A1-related disorder. Also called: COL1A1-related condition; COL1A1- related disease.

Submissions (2):

Blueprint Genetics
Classification: Pathogenic for COL1A1-related disorders. Last evaluated: 2020-06-18. Review status: criteria provided, single submitter. Criteria: ACMG Guidelines, 2015. Collection method: clinical testing. Allele origin: germline. Affected: yes. Observed: 2 variant alleles.

Clinical Biomedical Laboratory, Shriners Hospital For Children - Canada
Classification: Likely pathogenic for Osteogenesis imperfecta type I. Review status: criteria provided, single submitter. Criteria: ACMG Guidelines, 2015. Collection method: clinical testing. Allele origin: germline. Affected: yes.
Comment: This variant is predicted to affect a canonical splice site in COL1A1. This variant is expected to disrupt RNA splicing and lead to loss of function of the affected allele. Loss-of-function variants in COL1A1 are associated with osteogenesis imperfecta type I, which corresponds to the phenotype of the proband. This variant is absent from the Genome Aggregation Database (v2.1.1), indicating it is very rare. Based on the ACMG variant interpretation guidelines (criteria: PVS1, PM2, PP4), the available evidence supports classification of this variant as likely pathogenic.

NM_000088.4(COL1A1):c.103+1G>A

Gene: COL1A1 (collagen type I alpha 1 chain; minus strand). Cytogenetic location: 17q21.33.
Variant type: single nucleotide variant.
Coding change: c.103+1G>A on transcript NM_000088.4 (MANE Select); the canonical splice donor site of the intron after coding-DNA position 103, G replaced by A.
Molecular consequence: splice donor variant.
Genome position (GRCh38, 1-based): chr17:50,201,410, C>T on the plus strand (G>A on the coding strand, the complement: COL1A1 is on the minus strand). VCF-style: chr17-50201410-C-T. GRCh37 (hg19) VCF-style: chr17-48278771-C-T.
Identifiers: ClinVar variation 4819357 (VCV004819357.2).